The following is an entry in ClinVar:

NM_001378454.1(ALMS1):c.2129C>G (p.Thr710Arg)

Gene: ALMS1 (ALMS1 centrosome and basal body associated protein; plus strand). Cytogenetic location: 2p13.1.
Variant type: single nucleotide variant.
Coding change: c.2129C>G on transcript NM_001378454.1 (MANE Select); coding-DNA position 2129, C replaced by G.
Protein change: p.Thr710Arg; replaces threonine 710 with arginine.
Molecular consequence: missense variant.
Genome position (GRCh38, 1-based): chr2:73,448,656, C>G. VCF-style: chr2-73448656-C-G. GRCh37 (hg19) VCF-style: chr2-73675783-C-G.
Other names: c.2132C>G, p.Thr711Arg (NM_015120.4); short protein forms T710R, T711R.
Identifiers: ClinVar variation 2065940 (VCV002065940.3), dbSNP rs1671857959, ClinGen allele CA347266830.

ClinVar aggregate classification (germline): Uncertain significance (1 of 4 stars; one submission).

Conditions:
Alstrom syndrome (ALMS). Identifiers: Orphanet 64, MedGen C0268425, MONDO:0008763, OMIM 203800.

gnomAD v4.1: 2 of 1,613,924 alleles (0.00012%); highest among the groups gnomAD compares: Non-Finnish European, 0.00017%; no homozygotes.

Submission:

Labcorp Genetics (formerly Invitae), Labcorp
Classification: Uncertain significance for Alstrom syndrome. Last evaluated: 2022-04-15. Review status: criteria provided, single submitter. Criteria: Invitae Variant Classification Sherloc (09022015). Collection method: clinical testing. Allele origin: germline.
Comment: This variant has not been reported in the literature in individuals affected with ALMS1-related conditions. This variant is not present in population databases (gnomAD no frequency). This sequence change replaces threonine, which is neutral and polar, with arginine, which is basic and polar, at codon 711 of the ALMS1 protein (p.Thr711Arg). In summary, the available evidence is currently insufficient to determine the role of this variant in disease. Therefore, it has been classified as a Variant of Uncertain Significance. Experimental studies and prediction algorithms are not available or were not evaluated, and the functional significance of this variant is currently unknown.